The following is an entry in ClinVar:

NM_001372076.1(PAX9):c.258_259del (p.Ile87fs)

Gene: PAX9 (paired box 9; plus strand). Cytogenetic location: 14q13.3.
Variant type: Microsatellite.
Coding change: c.258_259del on transcript NM_001372076.1 (MANE Select); coding-DNA positions 258 to 259, 2 bases deleted (CA; older notation c.258_259delCA).
Protein change: p.Ile87fs; shifts the reading frame from isoleucine 87.
Molecular consequence: frameshift variant.
Genome position (GRCh38, 1-based): chr14:36,663,150-36,663,151, CA deleted; deleting any 2 consecutive bases within chr14:36,663,147-36,663,151 gives the same sequence; the c. name uses the placement nearest the transcript's 3' end. VCF-style (leftmost placement, unchanged base first): chr14-36663146-AAC-A. GRCh37 (hg19) VCF-style: chr14-37132351-AAC-A.
Other names: c.258_259del, p.Ile87fs (NM_006194.4); short protein forms I87fs.
Identifiers: ClinVar variation 3644489 (VCV003644489.2).

ClinVar aggregate classification (germline): Pathogenic (1 of 4 stars; one submission).

Conditions:
Hypodontia. Also called: Partial congenital absence of teeth; TOOTH AGENESIS, FAMILIAL; Tooth agenesis, selective. Identifiers: Orphanet 99798, MedGen C0020608, MONDO:0005486, HP:0000668. Disease mechanism: loss of function.

Submission:

Labcorp Genetics (formerly Invitae), Labcorp
Classification: Pathogenic for Hypodontia. Last evaluated: 2024-03-04. Review status: criteria provided, single submitter. Criteria: Invitae Variant Classification Sherloc (09022015). Collection method: clinical testing. Allele origin: germline.
Comment: This sequence change creates a premature translational stop signal (p.Ile87Profs*229) in the PAX9 gene. While this is not anticipated to result in nonsense mediated decay, it is expected to disrupt the last 255 amino acid(s) of the PAX9 protein. This variant is not present in population databases (gnomAD no frequency). This variant has not been reported in the literature in individuals affected with PAX9-related conditions. This variant disrupts a region of the PAX9 protein in which other variant(s) (p.Val265Argfs*52) have been determined to be pathogenic (PMID: 11827258). This suggests that this is a clinically significant region of the protein, and that variants that disrupt it are likely to be disease-causing. For these reasons, this variant has been classified as Pathogenic.

Literature cited by the submitters: PubMed 11827258.